The following is an entry in ClinVar:

NM_057176.3(BSND):c.393G>T (p.Leu131Phe)

Gene: BSND (barttin CLCNK type accessory subunit beta; plus strand). Cytogenetic location: 1p32.3.
Variant type: single nucleotide variant.
Coding change: c.393G>T on transcript NM_057176.3 (MANE Select); coding-DNA position 393, G replaced by T.
Protein change: p.Leu131Phe; replaces leucine 131 with phenylalanine.
Molecular consequence: missense variant.
Genome position (GRCh38, 1-based): chr1:55,007,117, G>T. VCF-style: chr1-55007117-G-T. GRCh37 (hg19) VCF-style: chr1-55472790-G-T.
Other names: short protein forms L131F.
Identifiers: ClinVar variation 874344 (VCV000874344.15), dbSNP rs201387711, ClinGen allele CA871323.

ClinVar aggregate classification (germline): Uncertain significance. Review status: criteria provided, multiple submitters, no conflicts (2 of 4 stars). 7 submissions from 7 submitters: Uncertain significance (6). 1 of the submissions does not count toward it. Last evaluated 2026-10-16.

Conditions:
BSND-related disorder. Also called: BSND-related condition.
Bartter syndrome. Identifiers: Orphanet 112, MedGen C0004775, MONDO:0015231.
Bartter disease type 4A. Also called: BARTTER SYNDROME, NEONATAL, WITH SENSORINEURAL DEAFNESS; BARTTER SYNDROME, TYPE 4A, NEONATAL, WITH SENSORINEURAL DEAFNESS. Identifiers: Orphanet 112, MedGen C1865270, MONDO:0011242, OMIM 602522.

Allele frequency attached by ClinVar (database versions not stated): 1000 Genomes Project 0.00020; TOPMed 0.00020; 1000 Genomes Project 30x 0.00031; ESP Exome Variant Server 0.00015.
gnomAD v4.1: 446 of 1,614,202 alleles (0.028%); highest among the groups gnomAD compares: Middle Eastern, 0.18%; 1 homozygote.

Submissions (7):

GeneDx
Classification: Uncertain significance. Last evaluated: 2026-10-16. Review status: criteria provided, single submitter. Criteria: GeneDx Variant Classification Process June 2021. Collection method: clinical testing. Allele origin: germline.
Comment: In silico analysis supports that this missense variant has a deleterious effect on protein structure/function; Has not been previously published as pathogenic or benign to our knowledge

PreventionGenetics, part of Exact Sciences
Classification: Uncertain significance for BSND-related condition. Last evaluated: 2026-09-26. Review status: criteria provided, single submitter. Criteria: ACMG Guidelines, 2015. Collection method: clinical testing. Allele origin: germline.
Comment: The BSND c.393G>T variant is predicted to result in the amino acid substitution p.Leu131Phe. To our knowledge, this variant has not been reported in the literature. This variant is reported in 0.058% of alleles in individuals of Ashkenazi Jewish descent in gnomAD. Although we suspect that this variant may be benign, at this time, the clinical significance of this variant is uncertain due to the absence of conclusive functional and genetic evidence.

Blueprint Genetics
Classification: Uncertain significance. Last evaluated: 2024-09-06. Review status: criteria provided, single submitter. Criteria: ACMG Guidelines, 2015. Collection method: clinical testing. Allele origin: germline.

Labcorp Genetics (formerly Invitae), Labcorp
Classification: Uncertain significance. Last evaluated: 2022-08-29. Review status: criteria provided, single submitter. Criteria: Invitae Variant Classification Sherloc (09022015). Collection method: clinical testing. Allele origin: germline.
Comment: This sequence change replaces leucine, which is neutral and non-polar, with phenylalanine, which is neutral and non-polar, at codon 131 of the BSND protein (p.Leu131Phe). This variant is present in population databases (rs201387711, gnomAD 0.06%). This variant has not been reported in the literature in individuals affected with BSND-related conditions. ClinVar contains an entry for this variant (Variation ID: 874344). Algorithms developed to predict the effect of missense changes on protein structure and function are either unavailable or do not agree on the potential impact of this missense change (SIFT: "Deleterious"; PolyPhen-2: "Probably Damaging"; Align-GVGD: "Class C15"). In summary, the available evidence is currently insufficient to determine the role of this variant in disease. Therefore, it has been classified as a Variant of Uncertain Significance.

Laboratory for Molecular Medicine, Mass General Brigham Personalized Medicine
Classification: Uncertain significance. Last evaluated: 2019-11-26. Review status: criteria provided, single submitter. Criteria: LMM Criteria. Collection method: clinical testing. Allele origin: germline. Observed: 1 variant allele.
Comment: The p.Leu131Phe variant in BSND has not been previously reported in individuals with hearing loss and renal dysfunction but has been identified in 0.058% (6/10368) of Ashkenazi Jewish chromosomes by gnomAD. Computational prediction tools and conservation analysis suggest that this variant may impact the protein, though this information is not predictive enough to determine pathogenicity In summary, the clinical significance of this variant is uncertain. ACMG/AMP Criteria applied: PM2_Supporting, PP3.

Illumina Laboratory Services, Illumina
Classification: Uncertain significance for Bartter disease type 4A. Last evaluated: 2018-01-13. Review status: criteria provided, single submitter. Criteria: ICSL Variant Classification Criteria 13 December 2019. Collection method: clinical testing. Allele origin: germline.

Natera, Inc.
Classification: Uncertain significance for Bartter syndrome. Last evaluated: 2020-01-17. Review status: no assertion criteria provided. Collection method: clinical testing. Allele origin: germline. Not counted in ClinVar's aggregate classification.